The following is an entry in ClinVar:

ClinVar aggregate classification (germline): Uncertain significance (1 of 4 stars; one submission).

Conditions:
Autoimmune lymphoproliferative syndrome type 2B. Also called: AUTOIMMUNE LYMPHOPROLIFERATIVE SYNDROME, TYPE IIB. Identifiers: Orphanet 275517, MedGen C1846545, MONDO:0011804, OMIM 607271.

Allele frequency attached by ClinVar (database versions not stated): TOPMed below 0.00001; gnomAD 0.00001.
gnomAD v4.1: 1 of 1,614,018 alleles (0.000062%); highest among the groups gnomAD compares: Non-Finnish European, 0.000085%; no homozygotes.

Submission:

Labcorp Genetics (formerly Invitae), Labcorp
Classification: Uncertain significance for Autoimmune lymphoproliferative syndrome type 2B. Last evaluated: 2023-09-30. Review status: criteria provided, single submitter. Criteria: Invitae Variant Classification Sherloc (09022015). Collection method: clinical testing. Allele origin: germline.
Comment: This sequence change replaces leucine, which is neutral and non-polar, with isoleucine, which is neutral and non-polar, at codon 318 of the CASP8 protein (p.Leu318Ile). This variant is not present in population databases (gnomAD no frequency). This variant has not been reported in the literature in individuals affected with CASP8-related conditions. Advanced modeling of protein sequence and biophysical properties (such as structural, functional, and spatial information, amino acid conservation, physicochemical variation, residue mobility, and thermodynamic stability) performed at Invitae indicates that this missense variant is not expected to disrupt CASP8 protein function. In summary, the available evidence is currently insufficient to determine the role of this variant in disease. Therefore, it has been classified as a Variant of Uncertain Significance.

NM_001372051.1(CASP8):c.901C>A (p.Leu301Ile)

Gene: CASP8 (caspase 8; plus strand). Cytogenetic location: 2q33.1.
Variant type: single nucleotide variant.
Coding change: c.901C>A on transcript NM_001372051.1 (MANE Select); coding-DNA position 901, C replaced by A.
Protein change: p.Leu301Ile; replaces leucine 301 with isoleucine.
Molecular consequence: missense variant. On other transcripts: non-coding transcript variant (22), intron variant (1).
Genome position (GRCh38, 1-based): chr2:201,284,914, C>A. VCF-style: chr2-201284914-C-A. GRCh37 (hg19) VCF-style: chr2-202149637-C-A.
Other names: c.856C>A, p.Leu286Ile (NM_001080124.2, NM_001400658.1, NM_001400659.1 and 5 more transcripts); c.1078C>A, p.Leu360Ile (NM_001080125.2); c.952C>A, p.Leu318Ile (NM_001228.5); c.1033C>A, p.Leu345Ile (NM_001400642.1); c.934C>A, p.Leu312Ile (NM_001400645.1); c.901C>A, p.Leu301Ile (NM_001400648.1, NM_001400651.1, NM_001400653.1 and 5 more transcripts); c.832C>A, p.Leu278Ile (NM_001400664.1); c.826C>A, p.Leu276Ile (NM_001400665.1); and 7 more; short protein forms L276I, L278I, L312I, L345I, L360I, L318I, L198I, L232I.
Identifiers: ClinVar variation 2917467 (VCV002917467.2), dbSNP rs936118434, ClinGen allele CA63892459.